The following is an entry in ClinVar:

NM_000051.4(ATM):c.1152C>G (p.Cys384Trp)

Gene: ATM (ATM serine/threonine kinase; plus strand). Cytogenetic location: 11q22.3.
Variant type: single nucleotide variant.
Coding change: c.1152C>G on transcript NM_000051.4 (MANE Select); coding-DNA position 1152, C replaced by G.
Protein change: p.Cys384Trp; replaces cysteine 384 with tryptophan.
Molecular consequence: missense variant.
Genome position (GRCh38, 1-based): chr11:108,249,019, C>G. VCF-style: chr11-108249019-C-G. GRCh37 (hg19) VCF-style: chr11-108119746-C-G.
Other names: c.1152C>G, p.Cys384Trp (NM_001351834.2); short protein forms C384W.
Identifiers: ClinVar variation 236668 (VCV000236668.22), dbSNP rs777755997, ClinGen allele CA6264768.

ClinVar aggregate classification (germline): Conflicting classifications of pathogenicity. Review status: criteria provided, conflicting classifications (1 of 4 stars). 5 submissions from 5 submitters: Uncertain significance (3); Likely benign (1). 1 of the submissions does not count toward it. Last evaluated 2025-06-17.

Conditions:
Hereditary cancer-predisposing syndrome. Also called: Tumor predisposition; Hereditary Cancer Syndrome; Hereditary neoplastic syndrome; Neoplastic Syndromes, Hereditary. Identifiers: Orphanet 140162, MedGen C0027672, MeSH D009386, MONDO:0015356.
Ataxia-telangiectasia syndrome (AT). Also called: Ataxia telangiectasia (A-T); LOUIS-BAR SYNDROME; Cerebello-oculocutaneous telangiectasia; Immunodeficiency with ataxia telangiectasia; ATAXIA-TELANGIECTASIA, COMPLEMENTATION GROUP A; ATAXIA-TELANGIECTASIA, FRESNO VARIANT. Identifiers: Orphanet 100, MedGen C0004135, MONDO:0008840, OMIM 208900.

Allele frequency attached by ClinVar (database versions not stated): gnomAD exomes below 0.00001 and 0.00001; ExAC 0.00001; TOPMed 0.00001.
gnomAD v4.1: 2 of 1,613,796 alleles (0.00012%); highest among the groups gnomAD compares: Admixed American, 0.0033%; no homozygotes.

Submissions (5):

Ambry Genetics
Classification: Likely benign for Hereditary cancer-predisposing syndrome. Last evaluated: 2025-06-17. Review status: criteria provided, single submitter. Criteria: Ambry Variant Classification Scheme 2023. Collection method: clinical testing. Allele origin: germline.

Athena Diagnostics
Classification: Uncertain significance. Last evaluated: 2025-06-11. Review status: criteria provided, single submitter. Criteria: Athena Diagnostics Criteria. Collection method: clinical testing. Allele origin: unknown.
Comment: Available data are insufficient to determine the clinical significance of the variant at this time. The frequency of this variant in the general population is uninformative in assessment of its pathogenicity. Polyphen and MutationTaster yielded discordant predictions regarding whether this amino acid change is damaging to the protein.

Labcorp Genetics (formerly Invitae), Labcorp
Classification: Uncertain significance for Ataxia-telangiectasia syndrome. Last evaluated: 2024-12-12. Review status: criteria provided, single submitter. Criteria: Invitae Variant Classification Sherloc (09022015). Collection method: clinical testing. Allele origin: germline.
Comment: This sequence change replaces cysteine, which is neutral and slightly polar, with tryptophan, which is neutral and slightly polar, at codon 384 of the ATM protein (p.Cys384Trp). This variant is present in population databases (rs777755997, gnomAD 0.006%). This variant has not been reported in the literature in individuals affected with ATM-related conditions. ClinVar contains an entry for this variant (Variation ID: 236668). Invitae Evidence Modeling of protein sequence and biophysical properties (such as structural, functional, and spatial information, amino acid conservation, physicochemical variation, residue mobility, and thermodynamic stability) indicates that this missense variant is not expected to disrupt ATM protein function with a negative predictive value of 95%. In summary, the available evidence is currently insufficient to determine the role of this variant in disease. Therefore, it has been classified as a Variant of Uncertain Significance.

Color Diagnostics, LLC DBA Color Health
Classification: Uncertain significance for Hereditary cancer-predisposing syndrome. Last evaluated: 2020-03-03. Review status: criteria provided, single submitter. Criteria: ACMG Guidelines, 2015. Collection method: clinical testing. Allele origin: germline.
Comment: This missense variant replaces cysteine with tryptophan at codon 384 of the ATM protein. Computational prediction suggests that this variant may not impact protein structure and function (internally defined REVEL score threshold <= 0.5, PMID: 27666373). Splice site prediction tools suggest that this variant may not impact RNA splicing. To our knowledge, functional studies have not been reported for this variant. This variant has not been reported in individuals affected with hereditary cancer in the literature. This variant has been identified in 2/251268 chromosomes in the general population by the Genome Aggregation Database (gnomAD). The available evidence is insufficient to determine the role of this variant in disease conclusively. Therefore, this variant is classified as a Variant of Uncertain Significance.

Natera, Inc.
Classification: Uncertain significance for Ataxia-telangiectasia. Last evaluated: 2020-11-07. Review status: no assertion criteria provided. Collection method: clinical testing. Allele origin: germline. Not counted in ClinVar's aggregate classification.

Literature cited by the submitters: PubMed 38489015 (cited by Athena Diagnostics); PubMed 38153744 (cited by Athena Diagnostics).